The following is an entry in ClinVar:

NM_000444.6(PHEX):c.275del (p.Asn92fs)

Gene: PHEX (phosphate regulating endopeptidase X-linked; plus strand). Cytogenetic location: Xp22.11.
Variant type: Deletion.
Coding change: c.275del on transcript NM_000444.6 (MANE Select); coding-DNA position 275, one base deleted (A; older notation c.275delA).
Protein change: p.Asn92fs; shifts the reading frame from asparagine 92.
Molecular consequence: frameshift variant.
Genome position (GRCh38, 1-based): chrX:22,047,137, A deleted; the last of 2 consecutive A bases (chrX:22,047,136-22,047,137); deleting either gives the same sequence. VCF-style (leftmost placement, unchanged base first): chrX-22047135-TA-T. GRCh37 (hg19) VCF-style: chrX-22065253-TA-T.
Other names: c.275del, p.Asn92fs (NM_001282754.2); short protein forms N92fs.
Identifiers: ClinVar variation 3367018 (VCV003367018.1).
Genomic context (GRCh38, chrX:22,047,135, plus strand): 5'-TCTGTCTGTGGATCCTTGTGATAATTTCTTCCGGTTCGCTTGTGATGGCTGGATAAGCAA[TA>T]ATCCAATTCCCGAAGATATGCCAAGCTATGGGGTTTATCCTTGGCTGAGACATAATGTTG-3'

ClinVar aggregate classification (germline): Likely pathogenic (1 of 4 stars; one submission).

Conditions:
Familial X-linked hypophosphatemic vitamin D refractory rickets (XLHRD). Also called: X-Linked Hypophosphatemia; Hypophosphatemic Rickets, X-Linked Dominant; HYPOPHOSPHATEMIC VITAMIN D-RESISTANT RICKETS; Hypophosphatemia, vitamin D-resistant rickets; Vitamin D-resistant rickets, X-linked. Identifiers: Orphanet 89936, MedGen C0733682, MONDO:0010619, OMIM 307800.

Submission:

Neuberg Centre For Genomic Medicine, NCGM
Classification: Likely pathogenic for Familial X-linked hypophosphatemic vitamin D refractory rickets. Last evaluated: 2023-05-20. Review status: criteria provided, single submitter. Criteria: ACMG Guidelines, 2015. Collection method: clinical testing. Allele origin: germline. Inheritance: X-linked dominant inheritance. Affected: yes.
Comment: The observed frameshift c.275del(p.Asn92IlefsTer16) variant in PHEX gene has not been reported previously as a pathogenic variant nor as a benign variant, to our knowledge. This variant is absent in gnomAD Exomes. This variant causes a frameshift starting with codon Asparagine 92, changes this amino acid to Isoleucine residue, and creates a premature Stop codon at position 16 of the new reading frame, denoted p.Asn92IlefsTer16. This variant is predicted to cause loss of normal protein function through protein truncation. Loss of function variants have been previously reported to be disease causing. For these reasons, this variant has been classified as Likely Pathogenic.